The following is an entry in ClinVar:

ClinVar aggregate classification (germline): Uncertain significance (1 of 4 stars; one submission).

Conditions:
CHD8-related disorder. Also called: CHD8-related condition; CHD8-related disorders.

Submission:

PreventionGenetics, part of Exact Sciences
Classification: Uncertain significance for CHD8-related condition. Last evaluated: 2026-07-31. Review status: criteria provided, single submitter. Criteria: ACMG Guidelines, 2015. Collection method: clinical testing. Allele origin: germline.
Comment: The CHD8 c.7616A>G variant is predicted to result in the amino acid substitution p.Asp2539Gly. To our knowledge, this variant has not been reported in the literature or in a large population database (gnomAD), indicating this variant is rare. At this time, the clinical significance of this variant is uncertain due to the absence of conclusive functional and genetic evidence.

NM_001170629.2(CHD8):c.7616A>G (p.Asp2539Gly)

Gene: CHD8 (chromodomain helicase DNA binding protein 8; minus strand). Cytogenetic location: 14q11.2.
Variant type: single nucleotide variant.
Coding change: c.7616A>G on transcript NM_001170629.2 (MANE Select); coding-DNA position 7616, A replaced by G.
Protein change: p.Asp2539Gly; replaces aspartic acid 2539 with glycine.
Molecular consequence: missense variant.
Genome position (GRCh38, 1-based): chr14:21,385,743, T>C on the plus strand (A>G on the coding strand, the complement: CHD8 is on the minus strand). VCF-style: chr14-21385743-T-C. GRCh37 (hg19) VCF-style: chr14-21853902-T-C.
Other names: c.6779A>G, p.Asp2260Gly (NM_020920.4); short protein forms D2260G, D2539G.
Identifiers: ClinVar variation 4992503 (VCV004992503.1).